The following is an entry in ClinVar:

NM_000143.4(FH):c.457G>T (p.Val153Leu)

Gene: FH (fumarate hydratase; minus strand). Cytogenetic location: 1q43.
Variant type: single nucleotide variant.
Coding change: c.457G>T on transcript NM_000143.4 (MANE Select); coding-DNA position 457, G replaced by T.
Protein change: p.Val153Leu; replaces valine 153 with leucine.
Molecular consequence: missense variant.
Genome position (GRCh38, 1-based): chr1:241,512,065, C>A on the plus strand (G>T on the coding strand, the complement: FH is on the minus strand). VCF-style: chr1-241512065-C-A. GRCh37 (hg19) VCF-style: chr1-241675365-C-A.
Other names: short protein forms V153L.
Identifiers: ClinVar variation 3682042 (VCV003682042.2).
Genomic context (GRCh38, chr1:241,512,065, plus strand): 5'-TCTTGCTGCCAAGTTCACCTCCTAACATTTCAATTGCTCTATTGCTAATGACTTCATTTA[C>A]ATTCATATTTGTCTGAGTTCCTGATCCAGTCTGCCATACCACGAGAGGAAAATGATCATT-3'
Protein context (NP_000134.2, residues 143-163): TGSGTQTNMN[Val153Leu]NEVISNRAIE

ClinVar aggregate classification (germline): Uncertain significance (1 of 4 stars; one submission).

Submission:

Labcorp Genetics (formerly Invitae), Labcorp
Classification: Uncertain significance. Last evaluated: 2025-01-02. Review status: criteria provided, single submitter. Criteria: Invitae Variant Classification Sherloc (09022015). Collection method: clinical testing. Allele origin: germline.
Comment: This sequence change replaces valine, which is neutral and non-polar, with leucine, which is neutral and non-polar, at codon 153 of the FH protein (p.Val153Leu). This variant is not present in population databases (gnomAD no frequency). This variant has not been reported in the literature in individuals affected with FH-related conditions. Invitae Evidence Modeling of protein sequence and biophysical properties (such as structural, functional, and spatial information, amino acid conservation, physicochemical variation, residue mobility, and thermodynamic stability) has been performed for this missense variant. However, the output from this modeling did not meet the statistical confidence thresholds required to predict the impact of this variant on FH protein function. In summary, the available evidence is currently insufficient to determine the role of this variant in disease. Therefore, it has been classified as a Variant of Uncertain Significance.